The following is an entry in ClinVar:

NM_004991.4(MECOM):c.1769G>C (p.Gly590Ala)

Gene: MECOM (MDS1 and EVI1 complex locus; minus strand). Cytogenetic location: 3q26.2.
Variant type: single nucleotide variant.
Coding change: c.1769G>C on transcript NM_004991.4 (MANE Select); coding-DNA position 1769, G replaced by C.
Protein change: p.Gly590Ala; replaces glycine 590 with alanine.
Molecular consequence: missense variant. On other transcripts: intron variant (2).
Genome position (GRCh38, 1-based): chr3:169,116,103, C>G on the plus strand (G>C on the coding strand, the complement: MECOM is on the minus strand). VCF-style: chr3-169116103-C-G. GRCh37 (hg19) VCF-style: chr3-168833891-C-G.
Other names: c.1400G>C, p.Gly467Ala (NM_001105077.4); c.1205G>C, p.Gly402Ala (NM_001105078.4, NM_001164000.2, NM_001205194.2 and 4 more transcripts); c.1208G>C, p.Gly403Ala (NM_001163999.2, NM_001366467.2, NM_001366468.2 and 1 more transcripts); c.1769G>C, p.Gly590Ala (NM_001366466.2); c.1133-336G>C (NM_001366473.2); c.569-336G>C (NM_001366474.2); short protein forms G590A, G403A, G402A, G467A.
Identifiers: ClinVar variation 4624600 (VCV004624600.1).

ClinVar aggregate classification (germline): Uncertain significance (1 of 4 stars; one submission).

Conditions:
Inborn genetic diseases. Identifiers: MedGen C0950123, MeSH D030342.

Submission:

Ambry Genetics
Classification: Uncertain significance for Inborn genetic diseases. Last evaluated: 2025-09-25. Review status: criteria provided, single submitter. Criteria: Ambry Variant Classification Scheme 2023. Collection method: clinical testing. Allele origin: germline.
Comment: The p.G590A variant (also known as c.1769G>C), located in coding exon 8 of the MECOM gene, results from a G to C substitution at nucleotide position 1769. The glycine at codon 590 is replaced by alanine, an amino acid with similar properties. This amino acid position is conserved. In addition, the in silico prediction for this alteration is inconclusive. Based on the available evidence, the clinical significance of this variant remains unclear.